The following is an entry in ClinVar:

NM_001365276.2(TNXB):c.4653G>A (p.Met1551Ile)

Gene: TNXB (tenascin XB; minus strand). Cytogenetic location: 6p21.33.
Variant type: single nucleotide variant.
Coding change: c.4653G>A on transcript NM_001365276.2 (MANE Select); coding-DNA position 4653, G replaced by A.
Protein change: p.Met1551Ile; replaces methionine 1551 with isoleucine.
Molecular consequence: missense variant.
Genome position (GRCh38, 1-based): chr6:32,073,675, C>T on the plus strand (G>A on the coding strand, the complement: TNXB is on the minus strand). VCF-style: chr6-32073675-C-T. GRCh37 (hg19) VCF-style: chr6-32041452-C-T.
Other names: c.5394G>A, p.Met1798Ile (NM_001428335.1); c.4653G>A, p.Met1551Ile (NM_019105.8); short protein forms M1551I, M1798I.
Identifiers: ClinVar variation 3972010 (VCV003972010.1).

ClinVar aggregate classification (germline): Uncertain significance (1 of 4 stars; one submission).

Conditions:
Cardiovascular phenotype. Identifiers: MedGen CN230736.

Submission:

Ambry Genetics
Classification: Uncertain significance for Cardiovascular phenotype. Last evaluated: 2025-05-02. Review status: criteria provided, single submitter. Criteria: Ambry Variant Classification Scheme 2023. Collection method: clinical testing. Allele origin: germline.
Comment: The p.M1551I variant (also known as c.4653G>A), located in coding exon 11 of the TNXB gene, results from a G to A substitution at nucleotide position 4653. The methionine at codon 1551 is replaced by isoleucine, an amino acid with highly similar properties. This amino acid position is conserved. In addition, this alteration is predicted to be tolerated by in silico analysis. Based on the available evidence, the clinical significance of this variant remains unclear.